The following is an entry in ClinVar:

ClinVar aggregate classification (germline): Likely pathogenic. Review status: reviewed by expert panel (3 of 4 stars). 4 submissions from 4 submitters: Likely pathogenic (1). 3 of the submissions do not count toward it. Last evaluated 2025-07-24.

Conditions:
Monogenic diabetes. Identifiers: Orphanet 183625, MedGen C3888631, MONDO:0015967.
Maturity-onset diabetes of the young (MODY). Also called: Maturity onset diabetes mellitus in young. Identifiers: Orphanet 552, MedGen C0342276, MONDO:0018911, HP:0004904.
Maturity-onset diabetes of the young type 3. Also called: MODY type 3; MODY, type III. Identifiers: Orphanet 552, MedGen C1838100, MeSH C563933, MONDO:0010894, OMIM 600496. Disease mechanism: loss of function.

Submissions (4):

ClinGen Monogenic Diabetes Variant Curation Expert Panel
Classification: Likely pathogenic for Monogenic diabetes. Last evaluated: 2025-07-24. Review status: reviewed by expert panel. Criteria: ClinGen Diabetes ACMG Specifications HNF1A V3.0.0. Collection method: curation. Allele origin: germline. Inheritance: Autosomal dominant inheritance.
Comment: The c.1359del variant in the HNF1 homeobox A gene, HNF1A, causes a frameshift in the protein at codon 454 (NM_000545.8), adding 3 novel amino acids before encountering a stop codon (p.(Ser454AlafsTer3)). This variant, located in biologically-relevant exon 7 of 10, is predicted to lead to nonsense mediated decay in a gene in which loss-of-function is an established disease mechanism (PVS1; PMID: 23348805). Also, this variant is absent from gnomAD v2.1.1 and v4.1.0 (PM2_Supporting). This variant was identified in an individual with a clinical history suggestive of HNF1A-MODY (MODY probability calculator result >50%); however, HNF4A was not tested (internal lab contributors). In summary, c.1359del meets the criteria to be classified as likely pathogenic for monogenic diabetes. ACMG/AMP criteria applied, as specified by the ClinGen MDEP (specification version 3.0.0, approved 6/30/2025): PVS1, PM2_Supporting.

Athena Diagnostics
Classification: Pathogenic. Last evaluated: 2022-06-10. Review status: criteria provided, single submitter. Criteria: Athena Diagnostics Criteria. Collection method: clinical testing. Allele origin: unknown. Not counted in ClinVar's aggregate classification.
Comment: This variant is expected to result in the loss of a functional protein. This variant has not been reported in large, multi-ethnic general populations. This variant has been identified in at least one individual tested at Athena Diagnostics with clinical features associated with this gene.

Genetic Services Laboratory, University of Chicago
Classification: Pathogenic for MODY, type III. Last evaluated: 2015-07-31. Review status: criteria provided, single submitter. Criteria: ACMG Guidelines, 2015. Collection method: clinical testing. Allele origin: germline. Affected: yes. Not counted in ClinVar's aggregate classification.

Clinical Genomics, Uppaluri K&H Personalized Medicine Clinic
Classification: Likely pathogenic for Maturity-onset diabetes of the young. Review status: criteria provided, single submitter. Criteria: K & H Uppaluri Personalized Medicine Clinic Variant Classification & Assertion Criteria_Updated V.1. Collection method: research. Allele origin: unknown. Inheritance: Autosomal dominant inheritance. Not counted in ClinVar's aggregate classification.
Comment: Mutations in HNF1A gene can predispose to MODY3. It is associated with both micro and macrovascular complications of diabetes, especially cardiovascular complications. Associated with glucosuria. May respond well to sulfonylureas. However, more evidence is required to confer the association of this particular variant rs1555212359 with MODY3.

Literature cited by the submitters: PubMed 31517624 (cited by Clinical Genomics, Uppaluri K&H Personalized Medicine Clinic); PubMed 32395877 (cited by Clinical Genomics, Uppaluri K&H Personalized Medicine Clinic); PubMed 35328643 (cited by Clinical Genomics, Uppaluri K&H Personalized Medicine Clinic).

NM_000545.8(HNF1A):c.1359del (p.Ser454fs)

Gene: HNF1A (HNF1 homeobox A; plus strand). Cytogenetic location: 12q24.31.
Variant type: Deletion.
Coding change: c.1359del on transcript NM_000545.8 (MANE Select); coding-DNA position 1359, one base deleted (C; older notation c.1359delC).
Protein change: p.Ser454fs; shifts the reading frame from serine 454.
Molecular consequence: frameshift variant.
Genome position (GRCh38, 1-based): chr12:120,997,523, C deleted. VCF-style (leftmost placement, unchanged base first): chr12-120997522-GC-G. GRCh37 (hg19) VCF-style: chr12-121435325-GC-G.
Other names: NM_000545.6(HNF1A):c.1359del; p.Ser454fs; NM_000545.8(HNF1A):c.1359del; c.1359del, p.Ser454fs (NM_001306179.2); short protein forms S454fs.
Identifiers: ClinVar variation 435427 (VCV000435427.9), dbSNP rs1555212359, ClinGen allele CA645372549.